The following is an entry in ClinVar:

NM_003242.6(TGFBR2):c.1298G>C (p.Arg433Thr)

Gene: TGFBR2 (transforming growth factor beta receptor 2; plus strand). Cytogenetic location: 3p24.1.
Variant type: single nucleotide variant.
Coding change: c.1298G>C on transcript NM_003242.6 (MANE Select); coding-DNA position 1298, G replaced by C.
Protein change: p.Arg433Thr; replaces arginine 433 with threonine.
Molecular consequence: missense variant.
Genome position (GRCh38, 1-based): chr3:30,674,148, G>C. VCF-style: chr3-30674148-G-C. GRCh37 (hg19) VCF-style: chr3-30715640-G-C.
Other names: c.1373G>C, p.Arg458Thr (NM_001024847.3); c.1481G>C, p.Arg494Thr (NM_001407126.1); c.1406G>C, p.Arg469Thr (NM_001407127.1); c.1325G>C, p.Arg442Thr (NM_001407128.1); c.1301G>C, p.Arg434Thr (NM_001407129.1); c.1298G>C, p.Arg433Thr (NM_001407130.1); c.1193G>C, p.Arg398Thr (NM_001407132.1, NM_001407133.1, NM_001407134.1 and 2 more transcripts); c.1013G>C, p.Arg338Thr (NM_001407137.1); and 1 more; short protein forms R458T, R433T, R398T, R442T, R469T, R494T, R313T, R338T.
Identifiers: ClinVar variation 857922 (VCV000857922.7), dbSNP rs1699392675, ClinGen allele CA351808954.

ClinVar aggregate classification (germline): Likely pathogenic (1 of 4 stars; one submission).

Conditions:
Familial thoracic aortic aneurysm and aortic dissection (TAAD). Also called: Thoracic aortic aneurysms and dissections. Identifiers: Orphanet 91387, MedGen C4707243, MONDO:0019625.

Submission:

Labcorp Genetics (formerly Invitae), Labcorp
Classification: Likely pathogenic for Familial thoracic aortic aneurysm and aortic dissection. Last evaluated: 2022-10-31. Review status: criteria provided, single submitter. Criteria: Invitae Variant Classification Sherloc (09022015). Collection method: clinical testing. Allele origin: germline.
Comment: In summary, the currently available evidence indicates that the variant is pathogenic, but additional data are needed to prove that conclusively. Therefore, this variant has been classified as Likely Pathogenic. Advanced modeling of protein sequence and biophysical properties (such as structural, functional, and spatial information, amino acid conservation, physicochemical variation, residue mobility, and thermodynamic stability) performed at Invitae indicates that this missense variant is expected to disrupt TGFBR2 protein function. ClinVar contains an entry for this variant (Variation ID: 857922). This missense change has been observed in individual(s) with clinical features of Loeys-Dietz syndrome (Invitae). It has also been observed to segregate with disease in related individuals. This variant is not present in population databases (gnomAD no frequency). This sequence change replaces arginine, which is basic and polar, with threonine, which is neutral and polar, at codon 433 of the TGFBR2 protein (p.Arg433Thr).